The following is an entry in ClinVar:

ClinVar aggregate classification (germline): Likely benign (1 of 4 stars; one submission).

Allele frequency attached by ClinVar (database versions not stated): 1000 Genomes Project 30x 0.00172; 1000 Genomes Project 0.00200; TOPMed 0.00710; ESP Exome Variant Server 0.00741.

Submission:

GeneDx
Classification: Likely benign. Last evaluated: 2018-06-14. Review status: criteria provided, single submitter. Criteria: GeneDx Variant Classification (06012015). Collection method: clinical testing. Allele origin: germline. Affected: yes.
Comment: This variant is considered likely benign or benign based on one or more of the following criteria: it is a conservative change, it occurs at a poorly conserved position in the protein, it is predicted to be benign by multiple in silico algorithms, and/or has population frequency not consistent with disease.

NM_006158.5(NEFL):c.1044+46G>A

Gene: NEFL (neurofilament light chain; minus strand). Cytogenetic location: 8p21.2.
Variant type: single nucleotide variant.
Coding change: c.1044+46G>A on transcript NM_006158.5 (MANE Select); 46 bases into the intron after coding-DNA position 1044, G replaced by A.
Molecular consequence: intron variant.
Genome position (GRCh38, 1-based): chr8:24,955,426, C>T on the plus strand (G>A on the coding strand, the complement: NEFL is on the minus strand). VCF-style: chr8-24955426-C-T. GRCh37 (hg19) VCF-style: chr8-24812940-C-T.
Identifiers: ClinVar variation 674217 (VCV000674217.1), dbSNP rs143338656, ClinGen allele CA4681375.